The following is an entry in ClinVar:

ClinVar aggregate classification (germline): Benign (1 of 4 stars; one submission).

Submission:

GeneDx
Classification: Benign. Last evaluated: 2018-06-19. Review status: criteria provided, single submitter. Criteria: GeneDx Variant Classification (06012015). Collection method: clinical testing. Allele origin: germline. Affected: yes.
Comment: This variant is considered likely benign or benign based on one or more of the following criteria: it is a conservative change, it occurs at a poorly conserved position in the protein, it is predicted to be benign by multiple in silico algorithms, and/or has population frequency not consistent with disease.

NM_002860.4(ALDH18A1):c.1153-159_1153-147del

Gene: ALDH18A1 (aldehyde dehydrogenase 18 family member A1; minus strand). Cytogenetic location: 10q24.1.
Variant type: Deletion.
Coding change: c.1153-159_1153-147del on transcript NM_002860.4 (MANE Select); 159 bases into the intron before coding-DNA position 1153 through 147 bases into the intron before coding-DNA position 1153, 13 bases deleted (GTGGGAATAAGTG).
Molecular consequence: intron variant.
Genome position (GRCh38, 1-based): chr10:95,625,602-95,625,614, CACTTATTCCCAC deleted on the plus strand (GTGGGAATAAGTG on the coding strand, the reverse complement: ALDH18A1 is on the minus strand); deleting any 13 consecutive bases within chr10:95,625,602-95,625,618 gives the same sequence; the c. name uses the placement nearest the transcript's 3' end. VCF-style (leftmost placement, unchanged base first): chr10-95625601-TCACTTATTCCCAC-T. GRCh37 (hg19) VCF-style: chr10-97385358-TCACTTATTCCCAC-T.
Other names: c.517-159_517-147del (NM_001323419.2); c.820-159_820-147del (NM_001323412.2, NM_001323416.2); c.1048-159_1048-147del (NM_001323417.2); c.1147-159_1147-147del (NM_001017423.2, NM_001323415.2); c.814-159_814-147del (NM_001323418.2); c.1153-159_1153-147del (NM_001323413.2, NM_001323414.2).
Identifiers: ClinVar variation 678709 (VCV000678709.1), dbSNP rs139646474, ClinGen allele CA211793486.
Genomic context (GRCh38, chr10:95,625,601, plus strand): 5'-AGTGCCAGGCCTTGCTCCCACATCCACGGTCATCACCAGTTGAAATCTCCTGACTTCCCA[TCACTTATTCCCAC>T]CACTGCTCCCCTTATTTCTTCCTTCCTCTCTCACTGCCAACCTCTAGGTCACTTCTTACT-3'